The following is an entry in ClinVar:

NM_004408.4(DNM1):c.1315G>A (p.Val439Ile)

Gene: DNM1 (dynamin 1; plus strand). Cytogenetic location: 9q34.11.
Variant type: single nucleotide variant.
Coding change: c.1315G>A on transcript NM_004408.4 (MANE Select); coding-DNA position 1315, G replaced by A.
Protein change: p.Val439Ile; replaces valine 439 with isoleucine.
Molecular consequence: missense variant. On other transcripts: intron variant (3).
Genome position (GRCh38, 1-based): chr9:128,224,369, G>A. VCF-style: chr9-128224369-G-A. GRCh37 (hg19) VCF-style: chr9-130986648-G-A.
Other names: c.1315G>A, p.Val439Ile (NM_001005336.3); c.1196+1509G>A (NM_001288738.2, NM_001288737.2, NM_001288739.2); short protein forms V439I.
Identifiers: ClinVar variation 646235 (VCV000646235.16), dbSNP rs771062230, ClinGen allele CA5258049.

ClinVar aggregate classification (germline): Benign/Likely benign. Review status: criteria provided, multiple submitters, no conflicts (2 of 4 stars). 3 submissions from 3 submitters: Benign (1); Likely benign (2). Last evaluated 2025-11-15.

Conditions:
Inborn genetic diseases. Identifiers: MedGen C0950123, MeSH D030342.
Developmental and epileptic encephalopathy, 31A. Also called: Epileptic encephalopathy, early infantile, 31; Developmental and epileptic encephalopathy, 31. Identifiers: Orphanet 2382, MedGen C4225357, MONDO:0014598, OMIM 616346.

Allele frequency attached by ClinVar (database versions not stated): gnomAD exomes 0.00006 and 0.00018; ExAC 0.00008; gnomAD 0.00009; TOPMed 0.00009.
gnomAD v4.1: 282 of 1,612,300 alleles (0.017%); highest among the groups gnomAD compares: Non-Finnish European, 0.023%; no homozygotes.

Submissions (3):

Labcorp Genetics (formerly Invitae), Labcorp
Classification: Likely benign for Developmental and epileptic encephalopathy, 31A. Last evaluated: 2025-11-15. Review status: criteria provided, single submitter. Criteria: Invitae Variant Classification Sherloc (09022015). Collection method: clinical testing. Allele origin: germline.

GeneDx
Classification: Likely benign. Last evaluated: 2019-06-17. Review status: criteria provided, single submitter. Criteria: GeneDx Variant Classification Process June 2021. Collection method: clinical testing. Allele origin: germline. Affected: yes.
Comment: In silico analysis, which includes protein predictors and evolutionary conservation, supports that this variant does not alter protein structure/function; Has not been previously published as pathogenic or benign to our knowledge

Ambry Genetics
Classification: Benign for Inborn genetic diseases. Last evaluated: 2019-05-09. Review status: criteria provided, single submitter. Criteria: Ambry Variant Classification Scheme 2023. Collection method: clinical testing. Allele origin: germline.